The following is an entry in ClinVar:

ClinVar aggregate classification (germline): Pathogenic/Likely pathogenic. Review status: criteria provided, multiple submitters, no conflicts (2 of 4 stars). 3 submissions from 3 submitters: Pathogenic (1); Likely pathogenic (1). 1 of the submissions does not count toward it. Last evaluated 2024-07-23.

Conditions:
Familial cancer of breast. Also called: Hereditary breast cancer; BREAST CANCER, FAMILIAL; hereditary breast carcinoma. Identifiers: Orphanet 227535, MedGen C0346153, MONDO:0016419, OMIM 114480. Disease mechanism: loss of function.
BRIP1-related disorder. Also called: BRIP1-related condition; BRIP1-related disorders. Identifiers: MedGen CN239206.

Submissions (3):

Mayo Clinic Laboratories, Mayo Clinic
Classification: Likely pathogenic. Last evaluated: 2024-07-23. Review status: criteria provided, single submitter. Criteria: ACMG Guidelines, 2015. Collection method: clinical testing. Allele origin: germline. Observed: 1 variant allele.
Comment: PM2, PVS1

Myriad Genetics, Inc.
Classification: Pathogenic for Familial cancer of breast. Last evaluated: 2023-05-31. Review status: criteria provided, single submitter. Criteria: Myriad Autosomal Dominant, Autosomal Recessive and X-Linked Classification Criteria (2023). Collection method: clinical testing. Allele origin: unknown.
Comment: This variant is considered pathogenic. This variant creates a frameshift predicted to result in premature protein truncation.

PreventionGenetics, part of Exact Sciences
Classification: Likely pathogenic for BRIP1-related condition. Last evaluated: 2024-08-16. Review status: no assertion criteria provided. Collection method: clinical testing. Allele origin: germline. Not counted in ClinVar's aggregate classification.
Comment: The BRIP1 c.674dupA variant is predicted to result in a frameshift and premature protein termination (p.Asn225Lysfs*10). To our knowledge, this variant has not been reported in the literature or in gnomAD, indicating this variant is rare. This variant has been interpreted as pathogenic by one lab in ClinVar. Frameshift variants in BRIP1 are expected to be pathogenic. This variant is interpreted as likely pathogenic.

NM_032043.3(BRIP1):c.674dup (p.Asn225fs)

Gene: BRIP1 (BRCA1 interacting DNA helicase 1; minus strand). Cytogenetic location: 17q23.2.
Variant type: Duplication.
Coding change: c.674dup on transcript NM_032043.3 (MANE Select); coding-DNA position 674, one base duplicated (A; older notation c.674dupA).
Protein change: p.Asn225fs; shifts the reading frame from asparagine 225.
Molecular consequence: frameshift variant.
Genome position (GRCh38, 1-based): chr17:61,808,711, T duplicated on the plus strand (A on the coding strand, the reverse complement: BRIP1 is on the minus strand); the first of 3 consecutive T bases (chr17:61,808,711-61,808,713); duplicating any one gives the same sequence. VCF-style (leftmost placement, unchanged base first): chr17-61808710-G-GT. GRCh37 (hg19) VCF-style: chr17-59886071-G-GT.
Other names: p.Asn225Lysfs*10; c.674dupA (NM_032043.2); short protein forms N225fs.
Identifiers: ClinVar variation 2583234 (VCV002583234.4), dbSNP rs757771711, ClinGen allele CA2582342254.